The following is an entry in ClinVar:

NM_001127222.2(CACNA1A):c.6653A>C (p.His2218Pro)

Gene: CACNA1A (calcium voltage-gated channel subunit alpha1 A; minus strand). Cytogenetic location: 19p13.13.
Variant type: single nucleotide variant.
Coding change: c.6653A>C on transcript NM_001127222.2 (MANE Select); coding-DNA position 6653, A replaced by C.
Protein change: p.His2218Pro; replaces histidine 2218 with proline.
Molecular consequence: missense variant.
Genome position (GRCh38, 1-based): chr19:13,208,883, T>G on the plus strand (A>C on the coding strand, the complement: CACNA1A is on the minus strand). VCF-style: chr19-13208883-T-G. GRCh37 (hg19) VCF-style: chr19-13319697-T-G.
Other names: c.6671A>C, p.His2224Pro (NM_000068.4, NM_023035.3); c.6656A>C, p.His2219Pro (NM_001127221.2); c.6662A>C, p.His2221Pro (NM_001174080.2); short protein forms H2221P, H2224P, H2218P, H2219P.
Identifiers: ClinVar variation 1436812 (VCV001436812.9), dbSNP rs1353109044, ClinGen allele CA404330436.

ClinVar aggregate classification (germline): Uncertain significance. Review status: criteria provided, multiple submitters, no conflicts (2 of 4 stars). 2 submissions from 2 submitters: Uncertain significance (2). Last evaluated 2025-11-03.

Conditions:
Episodic ataxia type 2 (EA2). Also called: ACETAZOLAMIDE-RESPONSIVE HEREDITARY PAROXYSMAL CEREBELLAR ATAXIA; EPISODIC ATAXIA, NYSTAGMUS-ASSOCIATED; ATAXIA, EPISODIC, WITH NYSTAGMUS; ATAXIA, FAMILIAL PAROXYSMAL; CEREBELLAR ATAXIA, PAROXYSMAL, ACETAZOLAMIDE-RESPONSIVE; CEREBELLOPATHY, HEREDITARY PAROXYSMAL. Identifiers: Orphanet 97, MedGen C1720416, MONDO:0007163, OMIM 108500.
Developmental and epileptic encephalopathy, 42 (DEE42A). Also called: DEVELOPMENTAL AND EPILEPTIC ENCEPHALOPATHY 42A; EPILEPTIC ENCEPHALOPATHY, EARLY INFANTILE, 42A; Epileptic encephalopathy, early infantile, 42. Identifiers: MedGen C4310716, MONDO:0014917, OMIM 617106.

Allele frequency attached by ClinVar (database versions not stated): gnomAD 0.00002; 1000 Genomes Project 30x 0.00640.

Submissions (2):

Labcorp Genetics (formerly Invitae), Labcorp
Classification: Uncertain significance for Developmental and epileptic encephalopathy, 42; Episodic ataxia type 2. Last evaluated: 2025-11-03. Review status: criteria provided, single submitter. Criteria: Invitae Variant Classification Sherloc (09022015). Collection method: clinical testing. Allele origin: germline.
Comment: This sequence change replaces histidine, which is basic and polar, with proline, which is neutral and non-polar, at codon 2219 of the CACNA1A protein (p.His2219Pro). The frequency data for this variant in the population databases is considered unreliable, as metrics indicate poor data quality at this position in the gnomAD database. This variant has not been reported in the literature in individuals affected with CACNA1A-related conditions. ClinVar contains an entry for this variant (Variation ID: 1436812). Invitae Evidence Modeling of protein sequence and biophysical properties (such as structural, functional, and spatial information, amino acid conservation, physicochemical variation, residue mobility, and thermodynamic stability) indicates that this missense variant is not expected to disrupt CACNA1A protein function with a negative predictive value of 95%. In summary, the available evidence is currently insufficient to determine the role of this variant in disease. Therefore, it has been classified as a Variant of Uncertain Significance.

Breakthrough Genomics
Classification: Uncertain significance. Review status: criteria provided, single submitter. Criteria: ACMG Guidelines, 2015. Collection method: not provided. Allele origin: germline. Inheritance: Autosomal dominant inheritance. Affected: yes.